The following is an entry in ClinVar:

ClinVar aggregate classification (germline): Pathogenic (1 of 4 stars; one submission).

Conditions:
Generalized epilepsy with febrile seizures plus, type 7 (GEFSP7). Also called: GEFS+, TYPE 7. Identifiers: Orphanet 36387, MedGen C2751778, MONDO:0013470, OMIM 613863.
Neuropathy, hereditary sensory and autonomic, type 2A (HSAN2A). Also called: MORVAN DISEASE; NEUROPATHY, CONGENITAL SENSORY; NEUROPATHY, HEREDITARY SENSORY RADICULAR, AUTOSOMAL RECESSIVE; NEUROPATHY, HEREDITARY SENSORY, TYPE IIA; NEUROPATHY, PROGRESSIVE SENSORY, OF CHILDREN; HSAN IIA. Identifiers: Orphanet 970, MedGen C2752089, MONDO:0024309, OMIM 201300.

Submission:

Labcorp Genetics (formerly Invitae), Labcorp
Classification: Pathogenic for Neuropathy, hereditary sensory and autonomic, type 2A; Generalized epilepsy with febrile seizures plus, type 7. Last evaluated: 2022-09-12. Review status: criteria provided, single submitter. Criteria: Invitae Variant Classification Sherloc (09022015). Collection method: clinical testing. Allele origin: germline.
Comment: This variant is a gross deletion of the genomic region encompassing exon(s) 25-27 of the SCN9A gene, which includes the termination codon. This deletion extends beyond the assayed region for this gene and therefore may encompass additional genes. While this deletion is not anticipated to lead to nonsense mediated decay, it is expected to alter mRNA translation or result in a truncated protein product. This variant has not been reported in the literature in individuals affected with SCN9A-related conditions. This variant disrupts a region of the SCN9A protein in which other variant(s) (p.Glu1773Glyfs*14) have been determined to be pathogenic (PMID: 25253744). This suggests that this is a clinically significant region of the protein, and that variants that disrupt it are likely to be disease-causing. For these reasons, this variant has been classified as Pathogenic.

Literature cited by the submitters: PubMed 25253744.

NC_000002.11:g.(?_166847749)_(167060980_?)del

Genes: SCN9A (sodium voltage-gated channel alpha subunit 9; minus strand), SCN1A (sodium voltage-gated channel alpha subunit 1; minus strand). Cytogenetic location: 2q24.3.
Variant type: Deletion.
Identifiers: ClinVar variation 2424588 (VCV002424588.1).